The following is an entry in ClinVar:

NM_001099271.2(POC5):c.1220C>T (p.Pro407Leu)

Gene: POC5 (POC5 centriolar protein; minus strand). Cytogenetic location: 5q13.3.
Variant type: single nucleotide variant.
Coding change: c.1220C>T on transcript NM_001099271.2 (MANE Select); coding-DNA position 1220, C replaced by T.
Protein change: p.Pro407Leu; replaces proline 407 with leucine.
Molecular consequence: missense variant.
Genome position (GRCh38, 1-based): chr5:75,685,394, G>A on the plus strand (C>T on the coding strand, the complement: POC5 is on the minus strand). VCF-style: chr5-75685394-G-A. GRCh37 (hg19) VCF-style: chr5-74981219-G-A.
Other names: c.1145C>T, p.Pro382Leu (NM_152408.3); c.1220C>T (NM_001099271.1); short protein forms P382L, P407L.
Identifiers: ClinVar variation 1474680 (VCV001474680.8), dbSNP rs368239423, ClinGen allele CA3310373.
Genomic context (GRCh38, chr5:75,685,394, plus strand): 5'-GCTCCTCCGACGGCGGCTGGTGGGGATGGCAGCAGTGGTGATGTAACTGGTAAGGGCATC[G>A]GAGGAGCTGAAGGATCCAAATGAGCAGAATGTTCTTTTCCTTGAACACCAGGACCATACT-3'
Protein context (NP_001092741.1, residues 397-417): HSAHLDPSAP[Pro407Leu]MPLPVTSPLL

ClinVar aggregate classification (germline): Uncertain significance. Review status: criteria provided, multiple submitters, no conflicts (2 of 4 stars). 2 submissions from 2 submitters: Uncertain significance (2). Last evaluated 2025-05-26.

Allele frequency attached by ClinVar (database versions not stated): ExAC 0.00001; gnomAD exomes 0.00002; gnomAD 0.00006 and 0.00007; TOPMed 0.00006; ESP Exome Variant Server 0.00008.
gnomAD v4.1: 39 of 1,613,870 alleles (0.0024%); highest among the groups gnomAD compares: African/African-American, 0.016%; no homozygotes.

Submissions (2):

Ambry Genetics
Classification: Uncertain significance. Last evaluated: 2025-05-26. Review status: criteria provided, single submitter. Criteria: Ambry Variant Classification Scheme 2023. Collection method: clinical testing. Allele origin: germline.

Labcorp Genetics (formerly Invitae), Labcorp
Classification: Uncertain significance. Last evaluated: 2024-06-26. Review status: criteria provided, single submitter. Criteria: Invitae Variant Classification Sherloc (09022015). Collection method: clinical testing. Allele origin: germline.
Comment: This sequence change replaces proline, which is neutral and non-polar, with leucine, which is neutral and non-polar, at codon 407 of the POC5 protein (p.Pro407Leu). This variant is present in population databases (rs368239423, gnomAD 0.02%). This variant has not been reported in the literature in individuals affected with POC5-related conditions. ClinVar contains an entry for this variant (Variation ID: 1474680). Algorithms developed to predict the effect of missense changes on protein structure and function output the following: SIFT: "Not Available"; PolyPhen-2: "Benign"; Align-GVGD: "Not Available". The leucine amino acid residue is found in multiple mammalian species, which suggests that this missense change does not adversely affect protein function. In summary, the available evidence is currently insufficient to determine the role of this variant in disease. Therefore, it has been classified as a Variant of Uncertain Significance.